The following is an entry in ClinVar:

ClinVar aggregate classification (germline): Uncertain significance (1 of 4 stars; one submission).

Conditions:
Hereditary breast ovarian cancer syndrome. Also called: Hereditary breast and/or ovarian cancer syndrome; Hereditary breast and ovarian cancer syndrome (HBOC); Breast and ovarian cancer; Hereditary breast and ovarian cancer syndrome; Hereditary breast and ovarian cancer; BRCA1- and BRCA2-Associated Hereditary Breast and Ovarian Cancer. Identifiers: Orphanet 145, MedGen C0677776, MeSH D061325, MONDO:0003582. Disease mechanism: loss of function.

Submission:

Labcorp Genetics (formerly Invitae), Labcorp
Classification: Uncertain significance for Hereditary breast ovarian cancer syndrome. Last evaluated: 2023-12-30. Review status: criteria provided, single submitter. Criteria: Invitae Variant Classification Sherloc (09022015). Collection method: clinical testing. Allele origin: germline.
Comment: This sequence change replaces proline, which is neutral and non-polar, with serine, which is neutral and polar, at codon 110 of the BRCA2 protein (p.Pro110Ser). This variant is not present in population databases (gnomAD no frequency). This variant has not been reported in the literature in individuals affected with BRCA2-related conditions. Advanced modeling of protein sequence and biophysical properties (such as structural, functional, and spatial information, amino acid conservation, physicochemical variation, residue mobility, and thermodynamic stability) performed at Invitae indicates that this missense variant is not expected to disrupt BRCA2 protein function with a negative predictive value of 95%. In summary, the available evidence is currently insufficient to determine the role of this variant in disease. Therefore, it has been classified as a Variant of Uncertain Significance.

NM_000059.4(BRCA2):c.328C>T (p.Pro110Ser)

Gene: BRCA2 (BRCA2 DNA repair associated; plus strand). Cytogenetic location: 13q13.1.
Variant type: single nucleotide variant.
Coding change: c.328C>T on transcript NM_000059.4 (MANE Select); coding-DNA position 328, C replaced by T.
Protein change: p.Pro110Ser; replaces proline 110 with serine.
Molecular consequence: missense variant. On other transcripts: 5 prime UTR variant (1), non-coding transcript variant (1).
Genome position (GRCh38, 1-based): chr13:32,325,087, C>T. VCF-style: chr13-32325087-C-T. GRCh37 (hg19) VCF-style: chr13-32899224-C-T.
Other names: c.328C>T, p.Pro110Ser (NM_001406719.1, NM_001406720.1, NM_001406721.1); c.-42C>T (NM_001406722.1); short protein forms P110S.
Identifiers: ClinVar variation 2706577 (VCV002706577.3), dbSNP rs1555280838, ClinGen allele CA387756524.
Genomic context (GRCh38, chr13:32,325,087, plus strand): 5'-TTATAATCCAGAGTATATACATTCTCACTGAATTATTGTACTGTTTCAGGAAGGAATGTT[C>T]CCAATAGTAGACATAAAAGTCTTCGCACAGTGAAAACTAAAATGGATCAAGCAGATGATG-3'
Protein context (NP_000050.3, residues 100-120): KFKLDLGRNV[Pro110Ser]NSRHKSLRTV